The following is an entry in ClinVar:

ClinVar aggregate classification (germline): Likely pathogenic (1 of 4 stars; one submission).

Conditions:
Ellis-van Creveld syndrome (EVC). Also called: EVC-Related Ellis-van Creveld Syndrome; EVC2-Related Ellis-van Creveld Syndrome; MESOECTODERMAL DYSPLASIA; Chondroectodermal dysplasia. Identifiers: Orphanet 289, MedGen C0013903, MONDO:0009162, OMIM 225500.

Submission:

Myriad Genetics, Inc.
Classification: Likely pathogenic for Ellis-van Creveld syndrome. Last evaluated: 2021-12-18. Review status: criteria provided, single submitter. Criteria: Myriad Women's Health Autosomal Recessive and X-Linked Classification Criteria (2021). Collection method: clinical testing. Allele origin: unknown.
Comment: NM_147127.4(EVC2):c.1313delT(L438Cfs*17) is expected to be pathogenic in the context of EVC2-related Ellis-van Creveld syndrome. This variant is predicted to lead to an abnormal or absent protein product due to the creation of a premature termination codon in EVC2, a gene where loss-of-function variants are known to be pathogenic. Please note: this variant was assessed in the context of healthy population screening.

NM_147127.5(EVC2):c.1313del (p.Leu438fs)

Genes: EVC2 (EvC ciliary complex subunit 2; minus strand), LOC126806961 (BRD4-independent group 4 enhancer GRCh37_chr4:5641443-5642642; plus strand). Cytogenetic location: 4p16.2.
Variant type: Deletion.
Coding change: c.1313del on transcript NM_147127.5 (MANE Select); coding-DNA position 1313, one base deleted (T; older notation c.1313delT).
Protein change: p.Leu438fs; shifts the reading frame from leucine 438.
Molecular consequence: frameshift variant.
Genome position (GRCh38, 1-based): chr4:5,640,671, A deleted on the plus strand (T on the coding strand, the reverse complement: EVC2 is on the minus strand); the first of 2 consecutive A bases (chr4:5,640,671-5,640,672); deleting either gives the same sequence. VCF-style (leftmost placement, unchanged base first): chr4-5640670-CA-C. GRCh37 (hg19) VCF-style: chr4-5642397-CA-C.
Other names: c.1073del, p.Leu358fs (NM_001166136.2); short protein forms L358fs, L438fs.
Identifiers: ClinVar variation 1726539 (VCV001726539.2), dbSNP rs2475438203, ClinGen allele CA2580070749.